The following is an entry in ClinVar:

NM_014363.6(SACS):c.6045_6049del (p.Tyr2015_Lys2017delinsTer)

Gene: SACS (sacsin molecular chaperone; minus strand). Cytogenetic location: 13q12.12.
Variant type: Deletion.
Coding change: c.6045_6049del on transcript NM_014363.6 (MANE Select); coding-DNA positions 6045 to 6049, 5 bases deleted (CCTCA; older notation c.6045_6049delCCTCA).
Protein change: p.Tyr2015_Lys2017delinsTer.
Molecular consequence: nonsense.
Genome position (GRCh38, 1-based): chr13:23,337,827-23,337,831, TGAGG deleted on the plus strand (CCTCA on the coding strand, the reverse complement: SACS is on the minus strand); deleting any 5 consecutive bases within chr13:23,337,827-23,337,832 gives the same sequence; the c. name uses the placement nearest the transcript's 3' end. VCF-style (leftmost placement, unchanged base first): chr13-23337826-TTGAGG-T. GRCh37 (hg19) VCF-style: chr13-23911965-TTGAGG-T.
Other names: c.5604_5608del, p.Tyr1868_Lys1870delinsTer (NM_001278055.2).
Identifiers: ClinVar variation 2678542 (VCV002678542.4), dbSNP rs2542256460, ClinGen allele CA2695199221.

ClinVar aggregate classification (germline): Pathogenic/Likely pathogenic. Review status: criteria provided, multiple submitters, no conflicts (2 of 4 stars). 2 submissions from 2 submitters: Pathogenic (1); Likely pathogenic (1). Last evaluated 2023-07-25.

Conditions:
Charlevoix-Saguenay spastic ataxia (SACS). Also called: Spastic ataxia of Charlevoix-Saguenay; AUTOSOMAL RECESSIVE SPASTIC ATAXIA OF CHARLEVOIX-SAGUENAY; SPASTIC ATAXIA 6, AUTOSOMAL RECESSIVE. Identifiers: Orphanet 98, MedGen C1849140, MONDO:0010041, OMIM 270550.
Spastic paraplegia. Identifiers: MedGen C0037772, HP:0001258.

Submissions (2):

Labcorp Genetics (formerly Invitae), Labcorp
Classification: Pathogenic for Spastic paraplegia. Last evaluated: 2023-07-25. Review status: criteria provided, single submitter. Criteria: Invitae Variant Classification Sherloc (09022015). Collection method: clinical testing. Allele origin: germline.
Comment: This sequence change creates a premature translational stop signal (p.Tyr2015*) in the SACS gene. While this is not anticipated to result in nonsense mediated decay, it is expected to disrupt the last 2565 amino acid(s) of the SACS protein. This variant is not present in population databases (gnomAD no frequency). This variant has not been reported in the literature in individuals affected with SACS-related conditions. This variant disrupts a region of the SACS protein in which other variant(s) (p.Asn4549Asp) have been determined to be pathogenic (PMID: 15156359, 21507954). This suggests that this is a clinically significant region of the protein, and that variants that disrupt it are likely to be disease-causing. For these reasons, this variant has been classified as Pathogenic.

Baylor Genetics
Classification: Likely pathogenic for Charlevoix-Saguenay spastic ataxia. Last evaluated: 2023-04-29. Review status: criteria provided, single submitter. Criteria: ACMG Guidelines, 2015. Collection method: clinical testing. Allele origin: unknown.

Literature cited by the submitters: PubMed 15156359 (cited by Labcorp Genetics (formerly Invitae), Labcorp); PubMed 21507954 (cited by Labcorp Genetics (formerly Invitae), Labcorp).